The following is an entry in ClinVar:

ClinVar aggregate classification (germline): Uncertain significance (1 of 4 stars; one submission).

Conditions:
CHARGE syndrome (CHARGE). Also called: Hittner Hirsch Kreh syndrome; CHARGE ASSOCIATION--COLOBOMA, HEART ANOMALY, CHOANAL ATRESIA, RETARDATION, GENITAL AND EAR ANOMALIES; Coloboma, heart anomaly, choanal atresia, retardation, genital and ear anomalies; CHARGE association; Hall-Hittner syndrome. Identifiers: Orphanet 138, MedGen C0265354, MONDO:0008965.

Allele frequency attached by ClinVar (database versions not stated): gnomAD exomes below 0.00001.
gnomAD v4.1: 1 of 1,610,344 alleles (0.000062%); highest among the groups gnomAD compares: Non-Finnish European, 0.000085%; no homozygotes.

Submission:

Labcorp Genetics (formerly Invitae), Labcorp
Classification: Uncertain significance for CHARGE syndrome. Last evaluated: 2022-11-23. Review status: criteria provided, single submitter. Criteria: Invitae Variant Classification Sherloc (09022015). Collection method: clinical testing. Allele origin: germline.
Comment: In summary, the available evidence is currently insufficient to determine the role of this variant in disease. Therefore, it has been classified as a Variant of Uncertain Significance. Advanced modeling of protein sequence and biophysical properties (such as structural, functional, and spatial information, amino acid conservation, physicochemical variation, residue mobility, and thermodynamic stability) performed at Invitae indicates that this missense variant is not expected to disrupt CHD7 protein function. This variant has not been reported in the literature in individuals affected with CHD7-related conditions. This variant is not present in population databases (gnomAD no frequency). This sequence change replaces arginine, which is basic and polar, with glycine, which is neutral and non-polar, at codon 2716 of the CHD7 protein (p.Arg2716Gly).

NM_017780.4(CHD7):c.8146A>G (p.Arg2716Gly)

Gene: CHD7 (chromodomain helicase DNA binding protein 7; plus strand). Cytogenetic location: 8q12.2.
Variant type: single nucleotide variant.
Coding change: c.8146A>G on transcript NM_017780.4 (MANE Select); coding-DNA position 8146, A replaced by G.
Protein change: p.Arg2716Gly; replaces arginine 2716 with glycine.
Molecular consequence: missense variant.
Genome position (GRCh38, 1-based): chr8:60,865,085, A>G. VCF-style: chr8-60865085-A-G. GRCh37 (hg19) VCF-style: chr8-61777644-A-G.
Other names: c.1999A>G, p.Arg667Gly (NM_001316690.1); short protein forms R667G, R2716G.
Identifiers: ClinVar variation 2812048 (VCV002812048.3), dbSNP rs2488142772, ClinGen allele CA371307368.